The following is an entry in ClinVar:

NM_001127222.2(CACNA1A):c.6473G>A (p.Arg2158His)

Gene: CACNA1A (calcium voltage-gated channel subunit alpha1 A; minus strand). Cytogenetic location: 19p13.13.
Variant type: single nucleotide variant.
Coding change: c.6473G>A on transcript NM_001127222.2 (MANE Select); coding-DNA position 6473, G replaced by A.
Protein change: p.Arg2158His; replaces arginine 2158 with histidine.
Molecular consequence: missense variant.
Genome position (GRCh38, 1-based): chr19:13,209,365, C>T on the plus strand (G>A on the coding strand, the complement: CACNA1A is on the minus strand). VCF-style: chr19-13209365-C-T. GRCh37 (hg19) VCF-style: chr19-13320179-C-T.
Other names: c.6491G>A, p.Arg2164His (NM_000068.4, NM_023035.3); c.6476G>A, p.Arg2159His (NM_001127221.2); c.6482G>A, p.Arg2161His (NM_001174080.2); short protein forms R2159H, R2161H, R2158H, R2164H.
Identifiers: ClinVar variation 265065 (VCV000265065.12), dbSNP rs375859889, ClinGen allele CA9239352.

ClinVar aggregate classification (germline): Conflicting classifications of pathogenicity. Review status: criteria provided, conflicting classifications (1 of 4 stars). 3 submissions from 3 submitters: Uncertain significance (2); Likely benign (1). Last evaluated 2025-02-20.

Conditions:
Developmental and epileptic encephalopathy, 42 (DEE42A). Also called: DEVELOPMENTAL AND EPILEPTIC ENCEPHALOPATHY 42A; EPILEPTIC ENCEPHALOPATHY, EARLY INFANTILE, 42A; Epileptic encephalopathy, early infantile, 42. Identifiers: MedGen C4310716, MONDO:0014917, OMIM 617106.
Episodic ataxia type 2 (EA2). Also called: ACETAZOLAMIDE-RESPONSIVE HEREDITARY PAROXYSMAL CEREBELLAR ATAXIA; ATAXIA, EPISODIC, WITH NYSTAGMUS; ATAXIA, FAMILIAL PAROXYSMAL; CEREBELLAR ATAXIA, PAROXYSMAL, ACETAZOLAMIDE-RESPONSIVE; CEREBELLOPATHY, HEREDITARY PAROXYSMAL; EPISODIC ATAXIA, NYSTAGMUS-ASSOCIATED. Identifiers: Orphanet 97, MedGen C1720416, MONDO:0007163, OMIM 108500.

Allele frequency attached by ClinVar (database versions not stated): gnomAD exomes 0.00002; gnomAD 0.00005 and 0.00006; TOPMed 0.00005; ExAC 0.00021.
gnomAD v4.1: 47 of 1,385,342 alleles (0.0034%); highest among the groups gnomAD compares: East Asian, 0.034%; no homozygotes.

Submissions (3):

Labcorp Genetics (formerly Invitae), Labcorp
Classification: Likely benign for Developmental and epileptic encephalopathy, 42; Episodic ataxia type 2. Last evaluated: 2025-02-20. Review status: criteria provided, single submitter. Criteria: Invitae Variant Classification Sherloc (09022015). Collection method: clinical testing. Allele origin: germline.

GeneDx
Classification: Uncertain significance. Last evaluated: 2023-05-11. Review status: criteria provided, single submitter. Criteria: GeneDx Variant Classification Process June 2021. Collection method: clinical testing. Allele origin: germline. Affected: yes.
Comment: In silico analysis supports that this missense variant has a deleterious effect on protein structure/function; Has not been previously published as pathogenic or benign to our knowledge

Blueprint Genetics
Classification: Uncertain significance. Last evaluated: 2020-10-22. Review status: criteria provided, single submitter. Criteria: ACMG Guidelines, 2015. Collection method: clinical testing. Allele origin: germline.